The following is an entry in ClinVar:

ClinVar aggregate classification (germline): Uncertain significance (1 of 4 stars; one submission).

Conditions:
Familial adenomatous polyposis 1 (FAP1). Also called: POLYPOSIS, ADENOMATOUS INTESTINAL; FAMILIAL ADENOMATOUS POLYPOSIS 1, ATTENUATED. Identifiers: MedGen C2713442, MONDO:0021056, OMIM 175100. Disease mechanism: loss of function.

Submission:

Labcorp Genetics (formerly Invitae), Labcorp
Classification: Uncertain significance for Familial adenomatous polyposis 1. Last evaluated: 2022-07-19. Review status: criteria provided, single submitter. Criteria: Invitae Variant Classification Sherloc (09022015). Collection method: clinical testing. Allele origin: germline.
Comment: In summary, the available evidence is currently insufficient to determine the role of this variant in disease. Therefore, it has been classified as a Variant of Uncertain Significance. Algorithms developed to predict the effect of missense changes on protein structure and function are either unavailable or do not agree on the potential impact of this missense change (SIFT: "Tolerated"; PolyPhen-2: "Probably Damaging"; Align-GVGD: "Class C0"). ClinVar contains an entry for this variant (Variation ID: 657751). This variant has not been reported in the literature in individuals affected with APC-related conditions. This variant is not present in population databases (gnomAD no frequency). This sequence change replaces lysine, which is basic and polar, with arginine, which is basic and polar, at codon 1359 of the APC protein (p.Lys1359Arg).

NM_000038.6(APC):c.4076A>G (p.Lys1359Arg)

Gene: APC (APC regulator of Wnt signaling pathway; plus strand). Cytogenetic location: 5q22.2.
Variant type: single nucleotide variant.
Coding change: c.4076A>G on transcript NM_000038.6 (MANE Select); coding-DNA position 4076, A replaced by G.
Protein change: p.Lys1359Arg; replaces lysine 1359 with arginine.
Molecular consequence: missense variant.
Genome position (GRCh38, 1-based): chr5:112,839,670, A>G. VCF-style: chr5-112839670-A-G. GRCh37 (hg19) VCF-style: chr5-112175367-A-G.
Other names: c.4076A>G, p.Lys1359Arg (NM_001127510.3, NM_001354895.2); c.4022A>G, p.Lys1341Arg (NM_001127511.3); c.4130A>G, p.Lys1377Arg (NM_001354896.2); c.4106A>G, p.Lys1369Arg (NM_001354897.2); c.4001A>G, p.Lys1334Arg (NM_001354898.2); c.3992A>G, p.Lys1331Arg (NM_001354899.2); c.3953A>G, p.Lys1318Arg (NM_001354900.2); c.3899A>G, p.Lys1300Arg (NM_001354901.2); and 5 more; short protein forms K1076R, K1300R, K1318R, K1341R, K1359R, K1268R, K1199R, K1331R.
Identifiers: ClinVar variation 657751 (VCV000657751.10), dbSNP rs1580643743, ClinGen allele CA16030259.